The following is an entry in ClinVar:

ClinVar aggregate classification (germline): Uncertain significance (1 of 4 stars; one submission).

Conditions:
Hypertrophic cardiomyopathy. Also called: HYPERTROPHIC MYOCARDIOPATHY. Identifiers: Orphanet 217569, MedGen C0007194, MeSH D002312, MONDO:0005045, HP:0001639.

Submission:

Labcorp Genetics (formerly Invitae), Labcorp
Classification: Uncertain significance for Hypertrophic cardiomyopathy. Last evaluated: 2025-11-27. Review status: criteria provided, single submitter. Criteria: Invitae Variant Classification Sherloc (09022015). Collection method: clinical testing. Allele origin: germline.
Comment: This sequence change replaces phenylalanine, which is neutral and non-polar, with leucine, which is neutral and non-polar, at codon 553 of the MYH7 protein (p.Phe553Leu). This variant is not present in population databases (gnomAD no frequency). This variant has not been reported in the literature in individuals affected with MYH7-related conditions. Invitae Evidence Modeling of protein sequence and biophysical properties (such as structural, functional, and spatial information, amino acid conservation, physicochemical variation, residue mobility, and thermodynamic stability) indicates that this missense variant is not expected to disrupt MYH7 protein function with a negative predictive value of 95%. In summary, the available evidence is currently insufficient to determine the role of this variant in disease. Therefore, it has been classified as a Variant of Uncertain Significance.

NM_000257.4(MYH7):c.1659T>A (p.Phe553Leu)

Gene: MYH7 (myosin heavy chain 7; minus strand). Cytogenetic location: 14q11.2.
Variant type: single nucleotide variant.
Coding change: c.1659T>A on transcript NM_000257.4 (MANE Select); coding-DNA position 1659, T replaced by A.
Protein change: p.Phe553Leu; replaces phenylalanine 553 with leucine.
Molecular consequence: missense variant.
Genome position (GRCh38, 1-based): chr14:23,427,814, A>T on the plus strand (T>A on the coding strand, the complement: MYH7 is on the minus strand). VCF-style: chr14-23427814-A-T. GRCh37 (hg19) VCF-style: chr14-23897023-A-T.
Other names: c.1659T>A, p.Phe553Leu (NM_001407004.1); short protein forms F553L.
Identifiers: ClinVar variation 4801950 (VCV004801950.1).